The following is an entry in ClinVar:

NM_015978.3(TNNI3K):c.1645T>G (p.Ser549Ala)

Genes: FPGT-TNNI3K (FPGT-TNNI3K readthrough; plus strand), TNNI3K (TNNI3 interacting kinase; plus strand). Cytogenetic location: 1p31.1.
Variant type: single nucleotide variant.
Coding change: c.1645T>G on transcript NM_015978.3 (MANE Select); coding-DNA position 1645, T replaced by G.
Protein change: p.Ser549Ala; replaces serine 549 with alanine.
Molecular consequence: missense variant.
Genome position (GRCh38, 1-based): chr1:74,369,563, T>G. VCF-style: chr1-74369563-T-G. GRCh37 (hg19) VCF-style: chr1-74835247-T-G.
Other names: c.1948T>G, p.Ser650Ala (NM_001112808.3, NM_001199327.2); short protein forms S650A, S549A.
Identifiers: ClinVar variation 3730826 (VCV003730826.2).
Genomic context (GRCh38, chr1:74,369,563, plus strand): 5'-TTGAATGATCCCAGCCAGTTTGCCATTGTCACTCAATACATATCAGGGGGTTCTCTGTTC[T>G]CCCTCCTTCATGAGCAGAAGAGGTATGGGTCTTTTGTTCTGATTTATCCTTGGACATTCC-3'
Protein context (NP_057062.1, residues 539-559): TQYISGGSLF[Ser549Ala]LLHEQKRILD

ClinVar aggregate classification (germline): Uncertain significance (1 of 4 stars; one submission).

Submission:

Labcorp Genetics (formerly Invitae), Labcorp
Classification: Uncertain significance. Last evaluated: 2024-11-30. Review status: criteria provided, single submitter. Criteria: Invitae Variant Classification Sherloc (09022015). Collection method: clinical testing. Allele origin: germline.
Comment: This sequence change replaces serine, which is neutral and polar, with alanine, which is neutral and non-polar, at codon 549 of the TNNI3K protein (p.Ser549Ala). This variant is not present in population databases (gnomAD no frequency). This variant has not been reported in the literature in individuals affected with TNNI3K-related conditions. Invitae Evidence Modeling of protein sequence and biophysical properties (such as structural, functional, and spatial information, amino acid conservation, physicochemical variation, residue mobility, and thermodynamic stability) indicates that this missense variant is not expected to disrupt TNNI3K protein function with a negative predictive value of 80%. In summary, the available evidence is currently insufficient to determine the role of this variant in disease. Therefore, it has been classified as a Variant of Uncertain Significance.